The following is an entry in ClinVar:

ClinVar aggregate classification (germline): Pathogenic. Review status: criteria provided, single submitter (1 of 4 stars). 2 submissions from 2 submitters: Pathogenic (1). 1 of the submissions does not count toward it. Last evaluated 2026-01-26.

Conditions:
Bardet-Biedl syndrome (BBS). Identifiers: Orphanet 110, MedGen C0752166, MONDO:0015229.
Bardet-Biedl syndrome 10 (BBS10). Identifiers: Orphanet 110, MedGen C1859568, MONDO:0014438, OMIM 615987.

Submissions (2):

Labcorp Genetics (formerly Invitae), Labcorp
Classification: Pathogenic for Bardet-Biedl syndrome. Last evaluated: 2026-01-26. Review status: criteria provided, single submitter. Criteria: Invitae Variant Classification Sherloc (09022015). Collection method: clinical testing. Allele origin: germline.
Comment: This sequence change creates a premature translational stop signal (p.Ser10Glyfs*82) in the BBS10 gene. While this is not anticipated to result in nonsense mediated decay, it is expected to disrupt the last 714 amino acid(s) of the BBS10 protein. This variant is not present in population databases (gnomAD no frequency). This variant has not been reported in the literature in individuals affected with BBS10-related conditions. ClinVar contains an entry for this variant (Variation ID: 554291). This variant disrupts a region of the BBS10 protein in which other variant(s) (p.Val707*) have been determined to be pathogenic (PMID: 20472660, 22773737, 25982971, 27486776). This suggests that this is a clinically significant region of the protein, and that variants that disrupt it are likely to be disease-causing. For these reasons, this variant has been classified as Pathogenic.

Counsyl
Classification: Likely pathogenic for Bardet-Biedl syndrome 10. Last evaluated: 2017-10-23. Review status: no assertion criteria provided. Collection method: clinical testing. Allele origin: unknown. Not counted in ClinVar's aggregate classification.

Literature cited by the submitters: PubMed 20472660 (cited by Labcorp Genetics (formerly Invitae), Labcorp); PubMed 22773737 (cited by Labcorp Genetics (formerly Invitae), Labcorp); PubMed 25982971 (cited by Labcorp Genetics (formerly Invitae), Labcorp); PubMed 27486776 (cited by Labcorp Genetics (formerly Invitae), Labcorp).

NM_024685.4(BBS10):c.27_37del (p.Ser10fs)

Gene: BBS10 (Bardet-Biedl syndrome 10; minus strand). Cytogenetic location: 12q21.2.
Variant type: Deletion.
Coding change: c.27_37del on transcript NM_024685.4 (MANE Select); coding-DNA positions 27 to 37, 11 bases deleted (GTCTGTGAAGG).
Protein change: p.Ser10fs; shifts the reading frame from serine 10.
Molecular consequence: frameshift variant.
Genome position (GRCh38, 1-based): chr12:76,348,322-76,348,332, CCTTCACAGAC deleted on the plus strand (GTCTGTGAAGG on the coding strand, the reverse complement: BBS10 is on the minus strand); deleting any 11 consecutive bases within chr12:76,348,322-76,348,335 gives the same sequence; the c. name uses the placement nearest the transcript's 3' end. VCF-style (leftmost placement, unchanged base first): chr12-76348321-GCCTTCACAGAC-G. GRCh37 (hg19) VCF-style: chr12-76742101-GCCTTCACAGAC-G.
Other names: c.27_37del, p.Ser10fs (LRG_1255t1); short protein forms S10fs.
Identifiers: ClinVar variation 554291 (VCV000554291.9), dbSNP rs1278460471, ClinGen allele CA658823439.